The following is an entry in ClinVar:

ClinVar aggregate classification (germline): Benign/Likely benign. Review status: criteria provided, multiple submitters, no conflicts (2 of 4 stars). 8 submissions from 8 submitters: Benign (4); Likely benign (1). 3 of the submissions do not count toward it. Last evaluated 2026-01-31.

Conditions:
FREM2-related disorder. Also called: FREM2-related condition.
Fraser syndrome 2 (FRASRS2). Identifiers: MedGen C4540036, MONDO:0054738, OMIM 617666.

Allele frequency attached by ClinVar (database versions not stated): gnomAD exomes 0.00223; ExAC 0.00264; gnomAD 0.00816 and 0.00872; ESP Exome Variant Server 0.00915; 1000 Genomes Project 0.00919; TOPMed 0.00944; 1000 Genomes Project 30x 0.00984.
gnomAD v4.1: 2,766 of 1,614,082 alleles (0.17%); highest among the groups gnomAD compares: African/African-American, 3%; 45 homozygotes.

Submissions (8):

Labcorp Genetics (formerly Invitae), Labcorp
Classification: Benign. Last evaluated: 2026-01-31. Review status: criteria provided, single submitter. Criteria: Invitae Variant Classification Sherloc (09022015). Collection method: clinical testing. Allele origin: germline.

Genomic Medicine Center of Excellence, King Faisal Specialist Hospital and Research Centre
Classification: Likely benign. Last evaluated: 2025-08-18. Review status: criteria provided, single submitter. Criteria: ACMG Guidelines, 2015. Collection method: clinical testing. Allele origin: germline.

Mayo Clinic Laboratories, Mayo Clinic
Classification: Benign. Last evaluated: 2024-12-13. Review status: criteria provided, single submitter. Criteria: ACMG Guidelines, 2015. Collection method: clinical testing. Allele origin: germline. Observed: 1 variant allele.
Comment: BA1, BS2

Illumina Laboratory Services, Illumina
Classification: Benign for Fraser syndrome 2. Last evaluated: 2018-01-13. Review status: criteria provided, single submitter. Criteria: ICSL Variant Classification Criteria 13 December 2019. Collection method: clinical testing. Allele origin: germline.
Comment: This variant was observed in the ICSL laboratory as part of a predisposition screen in an ostensibly healthy population. It had not been previously curated by ICSL or reported in the Human Gene Mutation Database (HGMD: prior to June 1st, 2018), and was therefore a candidate for classification through an automated scoring system. Utilizing variant allele frequency, disease prevalence and penetrance estimates, and inheritance mode, an automated score was calculated to assess if this variant is too frequent to cause the disease. Based on the score and internal cut-off values, a variant classified as benign is not then subjected to further curation. The score for this variant resulted in a classification of benign for this disease.

Breakthrough Genomics
Classification: Benign. Review status: criteria provided, single submitter. Criteria: ACMG Guidelines, 2015. Collection method: not provided. Allele origin: germline. Inheritance: Autosomal recessive inheritance. Affected: yes.

PreventionGenetics, part of Exact Sciences
Classification: Benign for FREM2-related condition. Last evaluated: 2019-06-24. Review status: no assertion criteria provided. Collection method: clinical testing. Allele origin: germline. Not counted in ClinVar's aggregate classification.
Comment: This variant is classified as benign based on ACMG/AMP sequence variant interpretation guidelines (Richards et al. 2015 PMID: 25741868, with internal and published modifications).

Clinical Genetics DNA and cytogenetics Diagnostics Lab, Erasmus MC, Erasmus Medical Center
Classification: Benign. Review status: no assertion criteria provided. Collection method: clinical testing. Allele origin: germline. Affected: yes. Study: VKGL Data-share Consensus. Not counted in ClinVar's aggregate classification.

Genome Diagnostics Laboratory, University Medical Center Utrecht
Classification: Benign. Review status: no assertion criteria provided. Collection method: clinical testing. Allele origin: germline. Affected: yes. Study: VKGL Data-share Consensus. Not counted in ClinVar's aggregate classification.

NM_207361.6(FREM2):c.4901C>T (p.Thr1634Met)

Gene: FREM2 (FRAS1 related extracellular matrix 2; plus strand). Cytogenetic location: 13q13.3.
Variant type: single nucleotide variant.
Coding change: c.4901C>T on transcript NM_207361.6 (MANE Select); coding-DNA position 4901, C replaced by T.
Protein change: p.Thr1634Met; replaces threonine 1634 with methionine.
Molecular consequence: missense variant.
Genome position (GRCh38, 1-based): chr13:38,692,245, C>T. VCF-style: chr13-38692245-C-T. GRCh37 (hg19) VCF-style: chr13-39266382-C-T.
Other names: p.Thr1634Met; short protein forms T1634M.
Identifiers: ClinVar variation 311984 (VCV000311984.20), dbSNP rs74781600, ClinGen allele CA6955093.